The following is an entry in ClinVar:

NM_005751.5(AKAP9):c.3778C>T (p.Leu1260Phe)

Gene: AKAP9 (A-kinase anchoring protein 9; plus strand). Cytogenetic location: 7q21.2.
Variant type: single nucleotide variant.
Coding change: c.3778C>T on transcript NM_005751.5 (MANE Select); coding-DNA position 3778, C replaced by T.
Protein change: p.Leu1260Phe; replaces leucine 1260 with phenylalanine.
Molecular consequence: missense variant.
Genome position (GRCh38, 1-based): chr7:92,017,043, C>T. VCF-style: chr7-92017043-C-T. GRCh37 (hg19) VCF-style: chr7-91646357-C-T.
Other names: c.3778C>T, p.Leu1260Phe (NM_147185.3); short protein forms L1260F.
Identifiers: ClinVar variation 3225052 (VCV003225052.1), dbSNP rs2484734049, ClinGen allele CA368127225.

ClinVar aggregate classification (germline): Uncertain significance (1 of 4 stars; one submission).

Conditions:
Cardiovascular phenotype. Identifiers: MedGen CN230736.

Submission:

Ambry Genetics
Classification: Uncertain significance for Cardiovascular phenotype. Last evaluated: 2024-02-12. Review status: criteria provided, single submitter. Criteria: Ambry Variant Classification Scheme 2023. Collection method: clinical testing. Allele origin: germline.
Comment: The p.L1260F variant (also known as c.3778C>T), located in coding exon 12 of the AKAP9 gene, results from a C to T substitution at nucleotide position 3778. The leucine at codon 1260 is replaced by phenylalanine, an amino acid with highly similar properties. This amino acid position is conserved. In addition, this alteration is predicted to be tolerated by in silico analysis. Based on the available evidence, the clinical significance of this alteration remains unclear.